The following is an entry in ClinVar:

NM_001655.5(ARCN1):c.1339G>A (p.Ala447Thr)

Gene: ARCN1 (archain 1 coat protein complex I subunit delta; plus strand). Cytogenetic location: 11q23.3.
Variant type: single nucleotide variant.
Coding change: c.1339G>A on transcript NM_001655.5 (MANE Select); coding-DNA position 1339, G replaced by A.
Protein change: p.Ala447Thr; replaces alanine 447 with threonine.
Molecular consequence: missense variant. On other transcripts: non-coding transcript variant (2), intron variant (3).
Genome position (GRCh38, 1-based): chr11:118,597,804, G>A. VCF-style: chr11-118597804-G-A. GRCh37 (hg19) VCF-style: chr11-118468519-G-A.
Other names: c.1075G>A, p.Ala359Thr (NM_001142281.2); c.1402G>A, p.Ala468Thr (NM_001425073.1); c.1336G>A, p.Ala446Thr (NM_001425074.1); c.1282G>A, p.Ala428Thr (NM_001425075.1); c.1270G>A, p.Ala424Thr (NM_001425076.1); c.1174G>A, p.Ala392Thr (NM_001425077.1); c.895G>A, p.Ala299Thr (NM_001425080.1); c.1242-2821G>A (NM_001425078.1); and 2 more; short protein forms A299T, A359T, A392T, A424T, A428T, A446T, A447T, A468T.
Identifiers: ClinVar variation 4847534 (VCV004847534.1).

ClinVar aggregate classification (germline): Uncertain significance (1 of 4 stars; one submission).

gnomAD v4.1: 1 of 1,614,162 alleles (0.000062%); highest among the groups gnomAD compares: Non-Finnish European, 0.000085%; no homozygotes.

Submission:

Women's Health and Genetics/Laboratory Corporation of America, LabCorp
Classification: Uncertain significance. Last evaluated: 2026-03-03. Review status: criteria provided, single submitter. Criteria: LabCorp Variant Classification Summary - May 2015. Collection method: clinical testing. Allele origin: germline.
Comment: Variant summary: ARCN1 c.1339G>A (p.Ala447Thr) results in a non-conservative amino acid change in the encoded protein sequence. Algorithms developed to predict the effect of missense changes on protein structure and function are either unavailable or do not agree on the potential impact of this missense change. The variant was absent in 251488 control chromosomes. The available data on variant occurrences in the general population are insufficient to allow any conclusion about variant significance. To our knowledge, no occurrence of c.1339G>A in individuals affected with ARCN1-related conditions and no experimental evidence demonstrating its impact on protein function have been reported. No submitters have cited clinical-significance assessments for this variant to ClinVar. Based on the evidence outlined above, the variant was classified as uncertain significance.